The following is an entry in ClinVar:

ClinVar aggregate classification (germline): Uncertain significance (1 of 4 stars; one submission).

Conditions:
Hereditary breast ovarian cancer syndrome. Also called: Hereditary breast and/or ovarian cancer syndrome; Hereditary breast and ovarian cancer syndrome; Hereditary breast and ovarian cancer syndrome (HBOC); Breast and ovarian cancer; Hereditary breast and ovarian cancer; BRCA1- and BRCA2-Associated Hereditary Breast and Ovarian Cancer. Identifiers: Orphanet 145, MedGen C0677776, MeSH D061325, MONDO:0003582. Disease mechanism: loss of function.

Submission:

Labcorp Genetics (formerly Invitae), Labcorp
Classification: Uncertain significance for Hereditary breast ovarian cancer syndrome. Last evaluated: 2022-07-19. Review status: criteria provided, single submitter. Criteria: Invitae Variant Classification Sherloc (09022015). Collection method: clinical testing. Allele origin: germline.
Comment: This sequence change replaces valine, which is neutral and non-polar, with aspartic acid, which is acidic and polar, at codon 2620 of the BRCA2 protein (p.Val2620Asp). In summary, the available evidence is currently insufficient to determine the role of this variant in disease. Therefore, it has been classified as a Variant of Uncertain Significance. Advanced modeling of protein sequence and biophysical properties (such as structural, functional, and spatial information, amino acid conservation, physicochemical variation, residue mobility, and thermodynamic stability) performed at Invitae indicates that this missense variant is expected to disrupt BRCA2 protein function. ClinVar contains an entry for this variant (Variation ID: 1056310). This variant has not been reported in the literature in individuals affected with BRCA2-related conditions. This variant is not present in population databases (gnomAD no frequency).

NM_000059.4(BRCA2):c.7859T>A (p.Val2620Asp)

Gene: BRCA2 (BRCA2 DNA repair associated; plus strand). Cytogenetic location: 13q13.1.
Variant type: single nucleotide variant.
Coding change: c.7859T>A on transcript NM_000059.4 (MANE Select); coding-DNA position 7859, T replaced by A.
Protein change: p.Val2620Asp; replaces valine 2620 with aspartic acid.
Molecular consequence: missense variant.
Genome position (GRCh38, 1-based): chr13:32,362,576, T>A. VCF-style: chr13-32362576-T-A. GRCh37 (hg19) VCF-style: chr13-32936713-T-A.
Other names: short protein forms V2620D.
Identifiers: ClinVar variation 1056310 (VCV001056310.9), dbSNP rs2137576870, ClinGen allele CA387747066.